The following is an entry in ClinVar:

NM_005235.3(ERBB4):c.3888G>T (p.Leu1296=)

Gene: ERBB4 (erb-b2 receptor tyrosine kinase 4; minus strand). Cytogenetic location: 2q34.
Variant type: single nucleotide variant.
Coding change: c.3888G>T on transcript NM_005235.3 (MANE Select); coding-DNA position 3888, G replaced by T.
Protein change: p.Leu1296=; no amino-acid change (leucine 1296 retained).
Molecular consequence: synonymous variant.
Genome position (GRCh38, 1-based): chr2:211,383,654, C>A on the plus strand (G>T on the coding strand, the complement: ERBB4 is on the minus strand). VCF-style: chr2-211383654-C-A. GRCh37 (hg19) VCF-style: chr2-212248379-C-A.
Other names: c.3840G>T, p.Leu1280= (NM_001042599.2).
Identifiers: ClinVar variation 750970 (VCV000750970.9), dbSNP rs755829219, ClinGen allele CA2087347.

ClinVar aggregate classification (germline): Likely benign. Review status: criteria provided, multiple submitters, no conflicts (2 of 4 stars). 2 submissions from 2 submitters: Likely benign (2). Last evaluated 2026-06-29.

Conditions:
ERBB4-related disorder. Also called: ERBB4-related condition.

Allele frequency attached by ClinVar (database versions not stated): TOPMed 0.00001; ExAC 0.00002; gnomAD 0.00002; gnomAD exomes 0.00001 and 0.00003.
gnomAD v4.1: 23 of 1,613,690 alleles (0.0014%); highest among the groups gnomAD compares: Non-Finnish European, 0.00025%; no homozygotes.

Submissions (2):

PreventionGenetics, part of Exact Sciences
Classification: Likely benign for ERBB4-related condition. Last evaluated: 2026-06-29. Review status: criteria provided, single submitter. Criteria: ACMG Guidelines, 2015. Collection method: clinical testing. Allele origin: germline.
Comment: This variant is classified as likely benign based on ACMG/AMP sequence variant interpretation guidelines (Richards et al. 2015 PMID: 25741868, with internal and published modifications).

Labcorp Genetics (formerly Invitae), Labcorp
Classification: Likely benign. Last evaluated: 2025-05-22. Review status: criteria provided, single submitter. Criteria: Invitae Variant Classification Sherloc (09022015). Collection method: clinical testing. Allele origin: germline.